The following is an entry in ClinVar:

NM_144499.3(GNAT1):c.163G>T (p.Asp55Tyr)

Gene: GNAT1 (G protein subunit alpha transducin 1; plus strand). Cytogenetic location: 3p21.31.
Variant type: single nucleotide variant.
Coding change: c.163G>T on transcript NM_144499.3 (MANE Select); coding-DNA position 163, G replaced by T.
Protein change: p.Asp55Tyr; replaces aspartic acid 55 with tyrosine.
Molecular consequence: missense variant.
Genome position (GRCh38, 1-based): chr3:50,193,278, G>T. VCF-style: chr3-50193278-G-T. GRCh37 (hg19) VCF-style: chr3-50230711-G-T.
Other names: c.163G>T (NM_144499.2); c.163G>T, p.Asp55Tyr (NM_000172.4); short protein forms D55Y.
Identifiers: ClinVar variation 1007990 (VCV001007990.7), dbSNP rs1041904269, ClinGen allele CA74601055.

ClinVar aggregate classification (germline): Uncertain significance. Review status: criteria provided, multiple submitters, no conflicts (2 of 4 stars). 3 submissions from 3 submitters: Uncertain significance (3). Last evaluated 2025-11-26.

Conditions:
Inborn genetic diseases. Identifiers: MedGen C0950123, MeSH D030342.

Allele frequency attached by ClinVar (database versions not stated): gnomAD exomes 0.00002; gnomAD 0.00004 and 0.00005; TOPMed 0.00007.

Submissions (3):

Ambry Genetics
Classification: Uncertain significance for Inborn genetic diseases. Last evaluated: 2025-11-26. Review status: criteria provided, single submitter. Criteria: Ambry Variant Classification Scheme 2023. Collection method: clinical testing. Allele origin: germline.
Comment: The c.163G>T (p.D55Y) alteration is located in exon 3 (coding exon 3) of the GNAT1 gene. This alteration results from a G to T substitution at nucleotide position 163, causing the aspartic acid (D) at amino acid position 55 to be replaced by a tyrosine (Y). Based on data from gnomAD, the T allele has an overall frequency of 0.002% (6/251458) total alleles studied. The highest observed frequency was 0.017% (6/34592) of Latino alleles. Based on insufficient or conflicting evidence, the clinical significance of this alteration remains unclear.

Labcorp Genetics (formerly Invitae), Labcorp
Classification: Uncertain significance. Last evaluated: 2025-09-02. Review status: criteria provided, single submitter. Criteria: Invitae Variant Classification Sherloc (09022015). Collection method: clinical testing. Allele origin: germline.
Comment: This sequence change replaces aspartic acid, which is acidic and polar, with tyrosine, which is neutral and polar, at codon 55 of the GNAT1 protein (p.Asp55Tyr). This variant is present in population databases (no rsID available, gnomAD 0.02%). This variant has not been reported in the literature in individuals affected with GNAT1-related conditions. ClinVar contains an entry for this variant (Variation ID: 1007990). Invitae Evidence Modeling of protein sequence and biophysical properties (such as structural, functional, and spatial information, amino acid conservation, physicochemical variation, residue mobility, and thermodynamic stability) indicates that this missense variant is not expected to disrupt GNAT1 protein function with a negative predictive value of 80%. In summary, the available evidence is currently insufficient to determine the role of this variant in disease. Therefore, it has been classified as a Variant of Uncertain Significance.

Blueprint Genetics
Classification: Uncertain significance. Last evaluated: 2021-06-29. Review status: criteria provided, single submitter. Criteria: ACMG Guidelines, 2015. Collection method: clinical testing. Allele origin: germline.